The following is an entry in ClinVar:

NM_134261.3(RORA):c.736G>T (p.Asp246Tyr)

Genes: RORA (RAR related orphan receptor A; minus strand), RORA-AS1 (RORA antisense RNA 1; plus strand). Cytogenetic location: 15q22.2.
Variant type: single nucleotide variant.
Coding change: c.736G>T on transcript NM_134261.3 (MANE Select); coding-DNA position 736, G replaced by T.
Protein change: p.Asp246Tyr; replaces aspartic acid 246 with tyrosine.
Molecular consequence: missense variant.
Genome position (GRCh38, 1-based): chr15:60,511,310, C>A on the plus strand (G>T on the coding strand, the complement: RORA is on the minus strand). VCF-style: chr15-60511310-C-A. GRCh37 (hg19) VCF-style: chr15-60803509-C-A.
Other names: c.811G>T, p.Asp271Tyr (NM_002943.4); c.835G>T, p.Asp279Tyr (NM_134260.3); c.571G>T, p.Asp191Tyr (NM_134262.3); short protein forms D191Y, D246Y, D271Y, D279Y.
Identifiers: ClinVar variation 3897229 (VCV003897229.1).
Genomic context (GRCh38, chr15:60,511,310, plus strand): 5'-GGGAAGTCTCGCCGTTGGTGAACGAACAGTAGGGAAAGAAGCCTGATGCTGGTGTGTAGT[C>A]ACATATTGGTTCTGGTTTGATTCCATTGATATCAAGACCTGACTGGTCTGGGGAAGGCTG-3'
Protein context (NP_599023.1, residues 236-256): INGIKPEPIC[Asp246Tyr]YTPASGFFPY

ClinVar aggregate classification (germline): Uncertain significance (1 of 4 stars; one submission).

Submission:

GeneDx
Classification: Uncertain significance. Last evaluated: 2024-10-31. Review status: criteria provided, single submitter. Criteria: GeneDx Variant Classification Process June 2021. Collection method: clinical testing. Allele origin: germline. Affected: yes.
Comment: Not observed at significant frequency in large population cohorts (gnomAD); In silico analysis supports that this missense variant has a deleterious effect on protein structure/function; Has not been previously published as pathogenic or benign to our knowledge